The following is an entry in ClinVar:

NM_001166108.2(PALLD):c.*171T>C

Genes: CBR4 (carbonyl reductase 4; minus strand), PALLD (palladin, cytoskeletal associated protein; plus strand). Cytogenetic location: 4q32.3.
Variant type: single nucleotide variant.
Coding change: c.*171T>C on transcript NM_001166108.2 (MANE Select); 171 bases downstream of the stop codon, T replaced by C.
Molecular consequence: 3 prime UTR variant. On other transcripts: missense variant (4).
Genome position (GRCh38, 1-based): chr4:168,926,351, T>C. VCF-style: chr4-168926351-T-C. GRCh37 (hg19) VCF-style: chr4-169847502-T-C.
Other names: c.2300T>C, p.Leu767Pro (NM_001166109.2); c.1985T>C, p.Leu662Pro (NM_001166110.2); c.*171T>C (NM_001367567.1, NM_001367570.1, NM_016081.4); c.1376T>C, p.Leu459Pro (NM_001367568.1); c.1325T>C, p.Leu442Pro (NM_001367569.1); short protein forms L662P, L442P, L767P, L459P.
Identifiers: ClinVar variation 4844436 (VCV004844436.1).
Genomic context (GRCh38, chr4:168,926,351, plus strand): 5'-ACCAGGGACTAGACATCAAAGCAGCGTTCCAACCTGAGGCCAACCCATCTCACCTGACAC[T>C]GAATACTGCCTTGGTAGAAAGTGAGGACCTGTAATCCAGCATTCTTGTTAAAGCTGAAAC-3'

ClinVar aggregate classification (germline): Uncertain significance (1 of 4 stars; one submission).

gnomAD v4.1: 2 of 1,537,406 alleles (0.00013%); highest among the groups gnomAD compares: Non-Finnish European, 0.000087%; no homozygotes.

Submission:

Ambry Genetics
Classification: Uncertain significance. Last evaluated: 2026-02-24. Review status: criteria provided, single submitter. Criteria: Ambry Variant Classification Scheme 2023. Collection method: clinical testing. Allele origin: germline.
Comment: The p.L662P variant (also known as c.1985T>C), located in coding exon 11 of the PALLD gene, results from a T to C substitution at nucleotide position 1985. The leucine at codon 662 is replaced by proline, an amino acid with similar properties. This amino acid position is conserved. In addition, the in silico prediction for this alteration is inconclusive. Based on the available evidence, the clinical significance of this variant remains unclear.